The following is an entry in ClinVar:

NM_015178.3(RHOBTB2):c.1931G>A (p.Arg644His)

Gene: RHOBTB2 (Rho related BTB domain containing 2; plus strand). Cytogenetic location: 8p21.3.
Variant type: single nucleotide variant.
Coding change: c.1931G>A on transcript NM_015178.3 (MANE Select); coding-DNA position 1931, G replaced by A.
Protein change: p.Arg644His; replaces arginine 644 with histidine.
Molecular consequence: missense variant.
Genome position (GRCh38, 1-based): chr8:23,015,708, G>A. VCF-style: chr8-23015708-G-A. GRCh37 (hg19) VCF-style: chr8-22873221-G-A.
Other names: c.1997G>A, p.Arg666His (NM_001160036.2); c.1952G>A, p.Arg651His (NM_001160037.2); c.1931G>A, p.Arg644His (NM_001374791.1); short protein forms R651H, R644H, R666H.
Identifiers: ClinVar variation 770378 (VCV000770378.40), dbSNP rs117851304, ClinGen allele CA4672824.

ClinVar aggregate classification (germline): Benign/Likely benign. Review status: criteria provided, multiple submitters, no conflicts (2 of 4 stars). 5 submissions from 5 submitters: Benign (1); Likely benign (4). Last evaluated 2026-07-01.

Allele frequency attached by ClinVar (database versions not stated): 1000 Genomes Project 0.00160; 1000 Genomes Project 30x 0.00187; ExAC 0.00192; gnomAD exomes 0.00200; gnomAD 0.00243 and 0.00247; TOPMed 0.00266; ESP Exome Variant Server 0.00284.
gnomAD v4.1: 3,593 of 1,613,738 alleles (0.22%); highest among the groups gnomAD compares: Middle Eastern, 1%; 7 homozygotes.

Submissions (5):

CeGaT Center for Human Genetics Tuebingen
Classification: Benign. Last evaluated: 2026-07-01. Review status: criteria provided, single submitter. Criteria: CeGaT Center For Human Genetics Tuebingen Variant Classification Criteria Version 2. Collection method: clinical testing. Allele origin: germline. Affected: yes. Observed: 20 variant alleles.
Comment: RHOBTB2: BS1, BS2

Labcorp Genetics (formerly Invitae), Labcorp
Classification: Likely benign. Last evaluated: 2026-01-26. Review status: criteria provided, single submitter. Criteria: Invitae Variant Classification Sherloc (09022015). Collection method: clinical testing. Allele origin: germline.

Genomic Medicine Center of Excellence, King Faisal Specialist Hospital and Research Centre
Classification: Likely benign. Last evaluated: 2025-08-18. Review status: criteria provided, single submitter. Criteria: ACMG Guidelines, 2015. Collection method: clinical testing. Allele origin: germline.

Blueprint Genetics
Classification: Likely benign. Last evaluated: 2024-11-26. Review status: criteria provided, single submitter. Criteria: ACMG Guidelines, 2015. Collection method: clinical testing. Allele origin: germline.

Breakthrough Genomics
Classification: Likely benign. Review status: criteria provided, single submitter. Criteria: ACMG Guidelines, 2015. Collection method: not provided. Allele origin: germline. Inheritance: Autosomal dominant inheritance. Affected: yes.